The following is an entry in ClinVar:

NM_000051.4(ATM):c.2515G>C (p.Glu839Gln)

Gene: ATM (ATM serine/threonine kinase; plus strand). Cytogenetic location: 11q22.3.
Variant type: single nucleotide variant.
Coding change: c.2515G>C on transcript NM_000051.4 (MANE Select); coding-DNA position 2515, G replaced by C.
Protein change: p.Glu839Gln; replaces glutamic acid 839 with glutamine.
Molecular consequence: missense variant.
Genome position (GRCh38, 1-based): chr11:108,267,219, G>C. VCF-style: chr11-108267219-G-C. GRCh37 (hg19) VCF-style: chr11-108137946-G-C.
Other names: c.2515G>C, p.Glu839Gln (NM_001351834.2); short protein forms E839Q.
Identifiers: ClinVar variation 632655 (VCV000632655.20), dbSNP rs1246807453, ClinGen allele CA382543433.
Genomic context (GRCh38, chr11:108,267,219, plus strand): 5'-TCTTCCTTGAAGGCATCCTTCATCAAAAAGCCATTTGACCGTGGAGAAGTAGAATCAATG[G>C]AAGATGATACTAATGGAAATCTAATGGAGGTGGAGGATCAGTCATCCATGAATCTATTTA-3'
Protein context (NP_000042.3, residues 829-849): PFDRGEVESM[Glu839Gln]DDTNGNLMEV

ClinVar aggregate classification (germline): Uncertain significance. Review status: criteria provided, multiple submitters, no conflicts (2 of 4 stars). 5 submissions from 5 submitters: Uncertain significance (4). 1 of the submissions does not count toward it. Last evaluated 2025-10-29.

Conditions:
Hereditary cancer-predisposing syndrome. Also called: Hereditary Cancer Syndrome; Neoplastic Syndromes, Hereditary; Tumor predisposition; Hereditary neoplastic syndrome. Identifiers: Orphanet 140162, MedGen C0027672, MeSH D009386, MONDO:0015356.
Ataxia-telangiectasia syndrome (AT). Also called: Ataxia-telangiectasia, complementation group D; AT, COMPLEMENTATION GROUP C; Ataxia-telangiectasia; ATAXIA-TELANGIECTASIA, COMPLEMENTATION GROUP A; ATAXIA-TELANGIECTASIA, FRESNO VARIANT; LOUIS-BAR SYNDROME. Identifiers: Orphanet 100, MedGen C0004135, MONDO:0008840, OMIM 208900.

Allele frequency attached by ClinVar (database versions not stated): gnomAD exomes below 0.00001; TOPMed below 0.00001.
gnomAD v4.1: 1 of 1,614,066 alleles (0.000062%); highest among the groups gnomAD compares: Admixed American, 0.0017%; no homozygotes.

Submissions (5):

Labcorp Genetics (formerly Invitae), Labcorp
Classification: Uncertain significance for Ataxia-telangiectasia syndrome. Last evaluated: 2025-10-29. Review status: criteria provided, single submitter. Criteria: Invitae Variant Classification Sherloc (09022015). Collection method: clinical testing. Allele origin: germline.
Comment: This sequence change replaces glutamic acid, which is acidic and polar, with glutamine, which is neutral and polar, at codon 839 of the ATM protein (p.Glu839Gln). This variant is present in population databases (no rsID available, gnomAD 0.003%). This variant has not been reported in the literature in individuals affected with ATM-related conditions. ClinVar contains an entry for this variant (Variation ID: 632655). Invitae Evidence Modeling of protein sequence and biophysical properties (such as structural, functional, and spatial information, amino acid conservation, physicochemical variation, residue mobility, and thermodynamic stability) indicates that this missense variant is not expected to disrupt ATM protein function with a negative predictive value of 95%. In summary, the available evidence is currently insufficient to determine the role of this variant in disease. Therefore, it has been classified as a Variant of Uncertain Significance.

Quest Diagnostics Nichols Institute San Juan Capistrano
Classification: Uncertain significance. Last evaluated: 2024-03-25. Review status: criteria provided, single submitter. Criteria: Quest Diagnostics criteria. Collection method: clinical testing. Allele origin: unknown.

Ambry Genetics
Classification: Uncertain significance for Hereditary cancer-predisposing syndrome. Last evaluated: 2023-10-08. Review status: criteria provided, single submitter. Criteria: Ambry Variant Classification Scheme 2023. Collection method: clinical testing. Allele origin: germline.
Comment: The p.E839Q variant (also known as c.2515G>C), located in coding exon 16 of the ATM gene, results from a G to C substitution at nucleotide position 2515. The glutamic acid at codon 839 is replaced by glutamine, an amino acid with highly similar properties. This amino acid position is not well conserved in available vertebrate species. In addition, this alteration is predicted to be tolerated by in silico analysis. Since supporting evidence is limited at this time, the clinical significance of this alteration remains unclear.

Women's Health and Genetics/Laboratory Corporation of America, LabCorp
Classification: Uncertain significance. Last evaluated: 2018-09-28. Review status: criteria provided, single submitter. Criteria: LabCorp Variant Classification Summary - May 2015. Collection method: clinical testing. Allele origin: germline.
Comment: Variant summary: ATM c.2515G>C (p.Glu839Gln) results in a conservative amino acid change in the encoded protein sequence. Five of five in-silico tools predict a benign effect of the variant on protein function. The variant allele was found at a frequency of 4.1e-06 in 246190 control chromosomes. The available data on variant occurrences in the general population are insufficient to allow any conclusion about variant significance. To our knowledge, no occurrence of c.2515G>C in individuals affected with Ataxia-Telangiectasia and no experimental evidence demonstrating its impact on protein function have been reported. No clinical diagnostic laboratories have submitted clinical-significance assessments for this variant to ClinVar after 2014. Based on the evidence outlined above, the variant was classified as uncertain significance.

Natera, Inc.
Classification: Uncertain significance for Ataxia-telangiectasia. Last evaluated: 2020-09-22. Review status: no assertion criteria provided. Collection method: clinical testing. Allele origin: germline. Not counted in ClinVar's aggregate classification.